The following is an entry in ClinVar:

ClinVar aggregate classification (germline): Pathogenic/Likely pathogenic. Review status: criteria provided, multiple submitters, no conflicts (2 of 4 stars). 4 submissions from 4 submitters: Pathogenic (1); Likely pathogenic (2). 1 of the submissions does not count toward it. Last evaluated 2025-12-11.

Conditions:
Cohen syndrome (COH1). Also called: PEPPER SYNDROME; Cutis verticis gyrata, retinitis pigmentosa, and sensorineural deafness. Identifiers: Orphanet 193, MedGen C0265223, MONDO:0008999, OMIM 216550.
VPS13B-related disorder. Also called: VPS13B-related condition.

Allele frequency attached by ClinVar (database versions not stated): gnomAD exomes below 0.00001.
gnomAD v4.1: 2 of 1,611,938 alleles (0.00012%); highest among the groups gnomAD compares: Non-Finnish European, 0.00017%; no homozygotes.

Submissions (4):

Labcorp Genetics (formerly Invitae), Labcorp
Classification: Pathogenic for Cohen syndrome. Last evaluated: 2025-12-11. Review status: criteria provided, single submitter. Criteria: Invitae Variant Classification Sherloc (09022015). Collection method: clinical testing. Allele origin: germline.
Comment: This sequence change creates a premature translational stop signal (p.Lys3604*) in the VPS13B gene. It is expected to result in an absent or disrupted protein product. Loss-of-function variants in VPS13B are known to be pathogenic (PMID: 15141358, 16648375, 20461111). This variant is present in population databases (no rsID available, gnomAD 0.0009%). This variant has not been reported in the literature in individuals affected with VPS13B-related conditions. ClinVar contains an entry for this variant (Variation ID: 379881). For these reasons, this variant has been classified as Pathogenic.

GeneDx
Classification: Likely pathogenic. Last evaluated: 2024-04-03. Review status: criteria provided, single submitter. Criteria: GeneDx Variant Classification Process June 2021. Collection method: clinical testing. Allele origin: germline. Affected: yes.
Comment: Nonsense variant predicted to result in protein truncation or nonsense mediated decay in a gene for which loss of function is a known mechanism of disease; Not observed at significant frequency in large population cohorts (gnomAD); Has not been previously published as pathogenic or benign to our knowledge

Blueprint Genetics
Classification: Likely pathogenic for VPS13B-related disorders. Last evaluated: 2021-02-18. Review status: criteria provided, single submitter. Criteria: ACMG Guidelines, 2015. Collection method: clinical testing. Allele origin: germline. Affected: yes. Observed: 3 variant alleles.

Counsyl
Classification: Likely pathogenic for Cohen syndrome. Last evaluated: 2015-09-14. Review status: no assertion criteria provided. Collection method: clinical testing. Allele origin: unknown. Not counted in ClinVar's aggregate classification.

Literature cited by the submitters: PubMed 15141358 (cited by Labcorp Genetics (formerly Invitae), Labcorp); PubMed 16648375 (cited by Labcorp Genetics (formerly Invitae), Labcorp); PubMed 20461111 (cited by Labcorp Genetics (formerly Invitae), Labcorp).

NM_152564.5(VPS13B):c.10735A>T (p.Lys3579Ter)

Gene: VPS13B (vacuolar protein sorting 13 homolog B; plus strand). Cytogenetic location: 8q22.2.
Variant type: single nucleotide variant.
Coding change: c.10735A>T on transcript NM_152564.5 (MANE Select); coding-DNA position 10735, A replaced by T.
Protein change: p.Lys3579Ter; replaces lysine 3579 with a stop codon.
Molecular consequence: nonsense.
Genome position (GRCh38, 1-based): chr8:99,854,124, A>T. VCF-style: chr8-99854124-A-T. GRCh37 (hg19) VCF-style: chr8-100866352-A-T.
Other names: c.10810A>T, p.Lys3604Ter (NM_017890.5); short protein forms K3579*, K3604*.
Identifiers: ClinVar variation 379881 (VCV000379881.10), dbSNP rs1057520769, ClinGen allele CA16605287.
Genomic context (GRCh38, chr8:99,854,124, plus strand): 5'-AAGTTACGGAAACTGGTGATCCAGCCAGTAAATTTGCTCGTCAGCATCCACGCTTCCCTC[A>T]AGCTGTACATAGCCTCAGACCACACTCCTCTCTCCTTCTCGGTGTTTGAAAGAGGACCCA-3'